The following is an entry in ClinVar:

NM_015338.6(ASXL1):c.4019C>T (p.Pro1340Leu)

Gene: ASXL1 (ASXL transcriptional regulator 1; plus strand). Cytogenetic location: 20q11.21.
Variant type: single nucleotide variant.
Coding change: c.4019C>T on transcript NM_015338.6 (MANE Select); coding-DNA position 4019, C replaced by T.
Protein change: p.Pro1340Leu; replaces proline 1340 with leucine.
Molecular consequence: missense variant.
Genome position (GRCh38, 1-based): chr20:32,436,731, C>T. VCF-style: chr20-32436731-C-T. GRCh37 (hg19) VCF-style: chr20-31024534-C-T.
Other names: c.3836C>T, p.Pro1279Leu (NM_001363734.1); short protein forms P1279L, P1340L.
Identifiers: ClinVar variation 3792853 (VCV003792853.1).

ClinVar aggregate classification (germline): Uncertain significance (1 of 4 stars; one submission).

Conditions:
Inborn genetic diseases. Identifiers: MedGen C0950123, MeSH D030342.

gnomAD v4.1: 8 of 1,614,078 alleles (0.0005%); highest among the groups gnomAD compares: Admixed American, 0.0017%; no homozygotes.

Submission:

Ambry Genetics
Classification: Uncertain significance for Inborn genetic diseases. Last evaluated: 2025-01-27. Review status: criteria provided, single submitter. Criteria: Ambry Variant Classification Scheme 2023. Collection method: clinical testing. Allele origin: germline.
Comment: The p.P1340L variant (also known as c.4019C>T), located in coding exon 13 of the ASXL1 gene, results from a C to T substitution at nucleotide position 4019. The proline at codon 1340 is replaced by leucine, an amino acid with similar properties. This amino acid position is conserved. In addition, this alteration is predicted to be tolerated by in silico analysis. Based on the available evidence, the clinical significance of this variant remains unclear.